The following is an entry in ClinVar:

ClinVar aggregate classification (germline): Likely benign. Review status: criteria provided, single submitter (1 of 4 stars). 2 submissions from 2 submitters: Likely benign (1). 1 of the submissions does not count toward it. Last evaluated 2026-07-01.

Conditions:
SYNE1-related disorder. Also called: SYNE1-related disorders; SYNE1-related disease; SYNE1-related condition.

Allele frequency attached by ClinVar (database versions not stated): gnomAD 0.00001; ExAC 0.00003; TOPMed 0.00003; ESP Exome Variant Server 0.00008.
gnomAD v4.1: 27 of 779,336 alleles (0.0035%); highest among the groups gnomAD compares: East Asian, 0.0097%; no homozygotes.

Submissions (2):

CeGaT Center for Human Genetics Tuebingen
Classification: Likely benign. Last evaluated: 2026-07-01. Review status: criteria provided, single submitter. Criteria: CeGaT Center For Human Genetics Tuebingen Variant Classification Criteria Version 2. Collection method: clinical testing. Allele origin: germline. Affected: yes. Observed: 1 variant allele.
Comment: SYNE1: BP4, BP7

PreventionGenetics, part of Exact Sciences
Classification: Likely benign for SYNE1-related condition. Last evaluated: 2019-08-27. Review status: no assertion criteria provided. Collection method: clinical testing. Allele origin: germline. Not counted in ClinVar's aggregate classification.
Comment: This variant is classified as likely benign based on ACMG/AMP sequence variant interpretation guidelines (Richards et al. 2015 PMID: 25741868, with internal and published modifications).

NM_001347702.2(SYNE1):c.72T>C (p.Asp24=)

Gene: SYNE1 (spectrin repeat containing nuclear envelope protein 1; minus strand). Cytogenetic location: 6q25.2.
Variant type: single nucleotide variant.
Coding change: c.72T>C on transcript NM_001347702.2 (MANE Plus Clinical); coding-DNA position 72, T replaced by C.
Protein change: p.Asp24=; no amino-acid change (aspartic acid 24 retained).
Molecular consequence: synonymous variant. On other transcripts: intron variant (3).
Genome position (GRCh38, 1-based): chr6:152,168,133, A>G on the plus strand (T>C on the coding strand, the complement: SYNE1 is on the minus strand). VCF-style: chr6-152168133-A-G. GRCh37 (hg19) VCF-style: chr6-152489268-A-G.
Other names: c.23628-3808T>C (NM_182961.4); c.23415-3808T>C (NM_033071.5); c.234-3808T>C (NM_001347701.2).
Identifiers: ClinVar variation 3053339 (VCV003053339.3), dbSNP rs370019471, ClinGen allele CA4053519.